The following is an entry in ClinVar:

ClinVar aggregate classification (germline): Uncertain significance. Review status: criteria provided, multiple submitters, no conflicts (2 of 4 stars). 2 submissions from 2 submitters: Uncertain significance (2). Last evaluated 2022-09-19.

Conditions:
Inborn genetic diseases. Identifiers: MedGen C0950123, MeSH D030342.
Charcot-Marie-Tooth disease, type I (CMT1). Also called: Charcot-Marie-Tooth, Type 1; Charcot-Marie-Tooth disease type 1. Identifiers: Orphanet 65753, MedGen C0751036, MONDO:0019011.

Allele frequency attached by ClinVar (database versions not stated): TOPMed below 0.00001; gnomAD 0.00001; ExAC 0.00002; gnomAD exomes 0.00002.
gnomAD v4.1: 26 of 1,614,076 alleles (0.0016%); highest among the groups gnomAD compares: South Asian, 0.023%; 1 homozygote.

Submissions (2):

Labcorp Genetics (formerly Invitae), Labcorp
Classification: Uncertain significance for Charcot-Marie-Tooth disease, type I. Last evaluated: 2022-09-19. Review status: criteria provided, single submitter. Criteria: Invitae Variant Classification Sherloc (09022015). Collection method: clinical testing. Allele origin: germline.
Comment: In summary, the available evidence is currently insufficient to determine the role of this variant in disease. Therefore, it has been classified as a Variant of Uncertain Significance. Advanced modeling of protein sequence and biophysical properties (such as structural, functional, and spatial information, amino acid conservation, physicochemical variation, residue mobility, and thermodynamic stability) has been performed at Invitae for this missense variant, however the output from this modeling did not meet the statistical confidence thresholds required to predict the impact of this variant on EGR2 protein function. ClinVar contains an entry for this variant (Variation ID: 1448653). This missense change has been observed in individual(s) with Charcot-Marie-Tooth disease (PMID: 30889162). This variant is present in population databases (rs774391305, gnomAD 0.02%). This sequence change replaces arginine, which is basic and polar, with cysteine, which is neutral and slightly polar, at codon 246 of the EGR2 protein (p.Arg246Cys).

Ambry Genetics
Classification: Uncertain significance for Inborn genetic diseases. Last evaluated: 2021-07-15. Review status: criteria provided, single submitter. Criteria: Ambry Variant Classification Scheme 2023. Collection method: clinical testing. Allele origin: germline.
Comment: The p.R246C variant (also known as c.736C>T), located in coding exon 2 of the EGR2 gene, results from a C to T substitution at nucleotide position 736. The arginine at codon 246 is replaced by cysteine, an amino acid with highly dissimilar properties. The p.R246C variant was found to be inherited from an unaffected parent while the p.R381L variant was likely de novo (Fusco C et al. Acta Biomed, 2019 01;90:104-107). This amino acid position is well conserved in available vertebrate species. In addition, the in silico prediction for this alteration is inconclusive. Based on the supporting evidence, this variant is unlikely to be causative of autosomal dominant demyelinating neuropathies including Charcot-Marie-Tooth disease, type 1D and Dejerine-Sottas disease; however, its contribution to the development of autosomal recessive Dejerine-Sottas disease is uncertain.

Literature cited by the submitters: PubMed 30889162 (cited by Labcorp Genetics (formerly Invitae), Labcorp and Ambry Genetics).

NM_000399.5(EGR2):c.736C>T (p.Arg246Cys)

Gene: EGR2 (early growth response 2; minus strand). Cytogenetic location: 10q21.3.
Variant type: single nucleotide variant.
Coding change: c.736C>T on transcript NM_000399.5 (MANE Select); coding-DNA position 736, C replaced by T.
Protein change: p.Arg246Cys; replaces arginine 246 with cysteine.
Molecular consequence: missense variant.
Genome position (GRCh38, 1-based): chr10:62,813,902, G>A on the plus strand (C>T on the coding strand, the complement: EGR2 is on the minus strand). VCF-style: chr10-62813902-G-A. GRCh37 (hg19) VCF-style: chr10-64573662-G-A.
Other names: c.736C>T, p.Arg246Cys (NM_001136177.3, NM_001136178.2); c.586C>T, p.Arg196Cys (NM_001136179.3, NM_001321037.2); short protein forms R246C, R196C.
Identifiers: ClinVar variation 1448653 (VCV001448653.10), dbSNP rs774391305, ClinGen allele CA5517236.